The following is an entry in ClinVar:

NM_001142800.2(EYS):c.4802G>C (p.Gly1601Ala)

Gene: EYS (eyes shut homolog; minus strand). Cytogenetic location: 6q12.
Variant type: single nucleotide variant.
Coding change: c.4802G>C on transcript NM_001142800.2 (MANE Select); coding-DNA position 4802, G replaced by C.
Protein change: p.Gly1601Ala; replaces glycine 1601 with alanine.
Molecular consequence: missense variant.
Genome position (GRCh38, 1-based): chr6:64,591,065, C>G on the plus strand (G>C on the coding strand, the complement: EYS is on the minus strand). VCF-style: chr6-64591065-C-G. GRCh37 (hg19) VCF-style: chr6-65300958-C-G.
Other names: c.4802G>C, p.Gly1601Ala (NM_001292009.2); short protein forms G1601A.
Identifiers: ClinVar variation 2155492 (VCV002155492.1), dbSNP rs2533152056, ClinGen allele CA364782496.

ClinVar aggregate classification (germline): Uncertain significance (1 of 4 stars; one submission).

gnomAD v4.1: 2 of 1,551,258 alleles (0.00013%); highest among the groups gnomAD compares: Non-Finnish European, 0.00017%; no homozygotes.

Submission:

Labcorp Genetics (formerly Invitae), Labcorp
Classification: Uncertain significance. Last evaluated: 2021-08-27. Review status: criteria provided, single submitter. Criteria: Invitae Variant Classification Sherloc (09022015). Collection method: clinical testing. Allele origin: germline.
Comment: This sequence change replaces glycine with alanine at codon 1601 of the EYS protein (p.Gly1601Ala). The glycine residue is moderately conserved and there is a small physicochemical difference between glycine and alanine. This variant is not present in population databases (ExAC no frequency). This variant has not been reported in the literature in individuals affected with EYS-related conditions. Algorithms developed to predict the effect of missense changes on protein structure and function output the following: SIFT: "Tolerated"; PolyPhen-2: "Benign"; Align-GVGD: "Class C0". The alanine amino acid residue is found in multiple mammalian species, which suggests that this missense change does not adversely affect protein function. In summary, the available evidence is currently insufficient to determine the role of this variant in disease. Therefore, it has been classified as a Variant of Uncertain Significance.